The following is an entry in ClinVar:

ClinVar aggregate classification (germline): Likely benign (1 of 4 stars; one submission).

Conditions:
LEPR-related disorder. Also called: LEPR-related disorders; LEPR-related condition.

gnomAD v4.1: 26 of 1,614,054 alleles (0.0016%); highest among the groups gnomAD compares: Non-Finnish European, 0.0021%; no homozygotes.

Submission:

PreventionGenetics, part of Exact Sciences
Classification: Likely benign for LEPR-related condition. Last evaluated: 2025-01-31. Review status: criteria provided, single submitter. Criteria: ACMG Guidelines, 2015. Collection method: clinical testing. Allele origin: germline.
Comment: This variant is classified as likely benign based on ACMG/AMP sequence variant interpretation guidelines (Richards et al. 2015 PMID: 25741868, with internal and published modifications).

NM_002303.6(LEPR):c.1887C>T (p.Ala629=)

Gene: LEPR (leptin receptor; plus strand). Cytogenetic location: 1p31.3.
Variant type: single nucleotide variant.
Coding change: c.1887C>T on transcript NM_002303.6 (MANE Select); coding-DNA position 1887, C replaced by T.
Protein change: p.Ala629=; no amino-acid change (alanine 629 retained).
Molecular consequence: synonymous variant.
Genome position (GRCh38, 1-based): chr1:65,610,081, C>T. VCF-style: chr1-65610081-C-T. GRCh37 (hg19) VCF-style: chr1-66075764-C-T.
Other names: c.1887C>T, p.Ala629= (NM_001003679.3, NM_001003680.3, NM_001198687.2 and 2 more transcripts).
Identifiers: ClinVar variation 4988170 (VCV004988170.1).